The following is an entry in ClinVar:

NM_024675.4(PALB2):c.385C>T (p.Pro129Ser)

Gene: PALB2 (partner and localizer of BRCA2; minus strand). Cytogenetic location: 16p12.2.
Variant type: single nucleotide variant.
Coding change: c.385C>T on transcript NM_024675.4 (MANE Select); coding-DNA position 385, C replaced by T.
Protein change: p.Pro129Ser; replaces proline 129 with serine.
Molecular consequence: missense variant.
Genome position (GRCh38, 1-based): chr16:23,636,161, G>A on the plus strand (C>T on the coding strand, the complement: PALB2 is on the minus strand). VCF-style: chr16-23636161-G-A. GRCh37 (hg19) VCF-style: chr16-23647482-G-A.
Other names: c.385C>T (NM_024675.3); short protein forms P129S.
Identifiers: ClinVar variation 1046827 (VCV001046827.9), dbSNP rs1174443228, ClinGen allele CA395137461.

ClinVar aggregate classification (germline): Conflicting classifications of pathogenicity. Review status: criteria provided, conflicting classifications (1 of 4 stars). 3 submissions from 3 submitters: Uncertain significance (1); Likely benign (2). Last evaluated 2025-12-01.

Conditions:
Breast-ovarian cancer, familial, susceptibility to, 5 (BROVCA5). Identifiers: MedGen C5830615, MONDO:0957530, OMIM 620442.
Hereditary cancer-predisposing syndrome. Also called: Hereditary Cancer Syndrome; Tumor predisposition; Hereditary neoplastic syndrome; Neoplastic Syndromes, Hereditary. Identifiers: Orphanet 140162, MedGen C0027672, MeSH D009386, MONDO:0015356.
Familial cancer of breast. Also called: Hereditary breast cancer; hereditary breast carcinoma; BREAST CANCER, FAMILIAL. Identifiers: Orphanet 227535, MedGen C0346153, MONDO:0016419, OMIM 114480. Disease mechanism: loss of function.

Allele frequency attached by ClinVar (database versions not stated): TOPMed below 0.00001.

Submissions (3):

Labcorp Genetics (formerly Invitae), Labcorp
Classification: Uncertain significance for Familial cancer of breast. Last evaluated: 2025-12-01. Review status: criteria provided, single submitter. Criteria: Invitae Variant Classification Sherloc (09022015). Collection method: clinical testing. Allele origin: germline.
Comment: This sequence change replaces proline, which is neutral and non-polar, with serine, which is neutral and polar, at codon 129 of the PALB2 protein (p.Pro129Ser). This variant is not present in population databases (gnomAD no frequency). This variant has not been reported in the literature in individuals affected with PALB2-related conditions. ClinVar contains an entry for this variant (Variation ID: 1046827). An algorithm developed to predict the effect of missense changes on protein structure and function outputs the following: PolyPhen-2: "Benign". The serine amino acid residue is found in multiple mammalian species, which suggests that this missense change does not adversely affect protein function. In summary, the available evidence is currently insufficient to determine the role of this variant in disease. Therefore, it has been classified as a Variant of Uncertain Significance.

Ambry Genetics
Classification: Likely benign for Hereditary cancer-predisposing syndrome. Last evaluated: 2024-02-22. Review status: criteria provided, single submitter. Criteria: Ambry Variant Classification Scheme 2023. Collection method: clinical testing. Allele origin: germline.

Department of Pathology and Laboratory Medicine, Sinai Health System
Classification: Likely benign for Breast-ovarian cancer, familial, susceptibility to, 5. Last evaluated: 2023-06-26. Review status: criteria provided, single submitter. Criteria: ACMG Guidelines, 2015. Collection method: clinical testing. Allele origin: germline. Affected: yes.